The following is an entry in ClinVar:

ClinVar aggregate classification (germline): Pathogenic. Review status: criteria provided, single submitter (1 of 4 stars). 2 submissions from 2 submitters: Pathogenic (1). 1 of the submissions does not count toward it. Last evaluated 2024-05-08.

Conditions:
Ornithine carbamoyltransferase deficiency (OTCD). Also called: ORNITHINE TRANSCARBAMYLASE DEFICIENCY; Ornithine Carbamoyltransferase Deficiency Disease; ORNITHINE TRANSCARBAMYLASE DEFICIENCY, HYPERAMMONEMIA DUE TO; OTC DEFICIENCY. Identifiers: Orphanet 664, MedGen C0268542, MONDO:0010703, OMIM 311250.

Submissions (2):

Myriad Genetics, Inc.
Classification: Pathogenic for Ornithine carbamoyltransferase deficiency. Last evaluated: 2024-05-08. Review status: criteria provided, single submitter. Criteria: Myriad Autosomal Dominant, Autosomal Recessive and X-Linked Classification Criteria (2023). Collection method: clinical testing. Allele origin: unknown.
Comment: NM_000531.5(OTC):c.766G>T(G256*) is expected to be pathogenic in the context of ornithine transcarbamylase deficiency. This variant is predicted to lead to an abnormal or absent protein product due to the creation of a premature termination codon in OTC, a gene where loss-of-function variants are known to be pathogenic. Please note: this variant was assessed in the context of healthy population screening.

Molecular Genetics laboratory, Necker Hospital
Classification: Pathogenic for Ornithine carbamoyltransferase deficiency. Review status: no assertion criteria provided. Collection method: clinical testing. Allele origin: de novo. Inheritance: X-linked inheritance. Affected: yes. Not counted in ClinVar's aggregate classification.

NM_000531.6(OTC):c.766G>T (p.Gly256Ter)

Gene: OTC (ornithine transcarbamylase; plus strand). Cytogenetic location: Xp11.4.
Variant type: single nucleotide variant.
Coding change: c.766G>T on transcript NM_000531.6 (MANE Select); coding-DNA position 766, G replaced by T.
Protein change: p.Gly256Ter; replaces glycine 256 with a stop codon.
Molecular consequence: nonsense.
Genome position (GRCh38, 1-based): chrX:38,408,924, G>T. VCF-style: chrX-38408924-G-T. GRCh37 (hg19) VCF-style: chrX-38268177-G-T.
Other names: short protein forms G256*.
Identifiers: ClinVar variation 870326 (VCV000870326.4), dbSNP rs2068529566, ClinGen allele CA412722685.